The following is an entry in ClinVar:

ClinVar aggregate classification (germline): Likely pathogenic (1 of 4 stars; one submission).

Conditions:
Cerebellar ataxia, impaired intellectual development, and dysequilibrium syndrome 4. Also called: CEREBELLAR ATAXIA AND MENTAL RETARDATION WITH OR WITHOUT QUADRUPEDAL LOCOMOTION 4; Cerebellar ataxia, mental retardation, and dysequilibrium syndrome 4; Cerebellar ataxia, intellectual disability, and dysequilibrium syndrome 4. Identifiers: Orphanet 1766, MedGen C3808977, MONDO:0014104, OMIM 615268.

Submission:

Broad Center for Mendelian Genomics, Broad Institute of MIT and Harvard
Classification: Likely pathogenic for Cerebellar ataxia, impaired intellectual development, and dysequilibrium syndrome 4. Last evaluated: 2018-11-15. Review status: criteria provided, single submitter. Criteria: ACMG Guidelines, 2015. Collection method: research. Allele origin: germline. Inheritance: Autosomal recessive inheritance. Affected: yes. Clinical features observed: Intellectual disability.
Comment: The homozygous p.Tyr639Ter variant in ATP8A2 was identified by our study in two siblings with Cerebellar Ataxia, Mental Retardation, and Dysequilibrium Syndrome. This variant was absent from large population studies. Loss of function of the ATP8A2 gene is an established disease mechanism in autosomal recessive Cerebellar Ataxia, Mental Retardation, and Dysequilibrium Syndrome, and this is a loss of function variant. In summary, although additional studies are required to fully establish its clinical significance, this variant is likely pathogenic.

NM_016529.6(ATP8A2):c.1917T>A (p.Tyr639Ter)

Gene: ATP8A2 (ATPase phospholipid transporting 8A2). Cytogenetic location: 13q12.13.
Variant type: single nucleotide variant.
Coding change: c.1917T>A on transcript NM_016529.6 (MANE Select); coding-DNA position 1917, T replaced by A.
Protein change: p.Tyr639Ter; replaces tyrosine 639 with a stop codon.
Molecular consequence: nonsense.
Genome position (GRCh38, 1-based): chr13:25,579,857, T>A. VCF-style: chr13-25579857-T-A. GRCh37 (hg19) VCF-style: chr13-26153995-T-A.
Other names: c.1797T>A, p.Tyr599Ter (NM_001313741.1); short protein forms Y639*, Y599*.
Identifiers: ClinVar variation 800507 (VCV000800507.1), dbSNP rs1593576872, ClinGen allele CA387615206.